The following is an entry in ClinVar:

NM_004360.5(CDH1):c.2359G>T (p.Val787Phe)

Gene: CDH1 (cadherin 1; plus strand). Cytogenetic location: 16q22.1.
Variant type: single nucleotide variant.
Coding change: c.2359G>T on transcript NM_004360.5 (MANE Select); coding-DNA position 2359, G replaced by T.
Protein change: p.Val787Phe; replaces valine 787 with phenylalanine.
Molecular consequence: missense variant.
Genome position (GRCh38, 1-based): chr16:68,829,717, G>T. VCF-style: chr16-68829717-G-T. GRCh37 (hg19) VCF-style: chr16-68863620-G-T.
Other names: c.2176G>T, p.Val726Phe (NM_001317184.2); c.811G>T, p.Val271Phe (NM_001317185.2); c.394G>T, p.Val132Phe (NM_001317186.2); short protein forms V132F, V726F, V271F, V787F.
Identifiers: ClinVar variation 1517855 (VCV001517855.7), dbSNP rs766270336, ClinGen allele CA396471042.

ClinVar aggregate classification (germline): Uncertain significance. Review status: criteria provided, multiple submitters, no conflicts (2 of 4 stars). 2 submissions from 2 submitters: Uncertain significance (2). Last evaluated 2022-06-03.

Conditions:
Hereditary diffuse gastric adenocarcinoma (HDGC). Also called: DIFFUSE GASTRIC AND LOBULAR BREAST CANCER SYNDROME. Identifiers: Orphanet 26106, MedGen C1708349, MONDO:0007648, OMIM 137215.

Submissions (2):

GeneDx
Classification: Uncertain significance. Last evaluated: 2022-06-03. Review status: criteria provided, single submitter. Criteria: GeneDx Variant Classification Process June 2021. Collection method: clinical testing. Allele origin: germline. Affected: yes.
Comment: Not observed at significant frequency in large population cohorts (gnomAD); In silico analysis supports that this missense variant has a deleterious effect on protein structure/function; Has not been previously published as pathogenic or benign to our knowledge; This variant is associated with the following publications: (PMID: 15235021, 22850631)

Labcorp Genetics (formerly Invitae), Labcorp
Classification: Uncertain significance for Hereditary diffuse gastric adenocarcinoma. Last evaluated: 2021-09-07. Review status: criteria provided, single submitter. Criteria: Invitae Variant Classification Sherloc (09022015). Collection method: clinical testing. Allele origin: germline.
Comment: This sequence change replaces valine with phenylalanine at codon 787 of the CDH1 protein (p.Val787Phe). The valine residue is highly conserved and there is a small physicochemical difference between valine and phenylalanine. This variant is not present in population databases (ExAC no frequency). This variant has not been reported in the literature in individuals affected with CDH1-related conditions. Algorithms developed to predict the effect of missense changes on protein structure and function are either unavailable or do not agree on the potential impact of this missense change (SIFT: "Deleterious"; PolyPhen-2: "Probably Damaging"; Align-GVGD: "Class C0"). In summary, the available evidence is currently insufficient to determine the role of this variant in disease. Therefore, it has been classified as a Variant of Uncertain Significance.